The following is an entry in ClinVar:

ClinVar aggregate classification (germline): Uncertain significance (1 of 4 stars; one submission).

Conditions:
Cardiovascular phenotype. Identifiers: MedGen CN230736.

Allele frequency attached by ClinVar (database versions not stated): TOPMed below 0.00001.

Submission:

Ambry Genetics
Classification: Uncertain significance for Cardiovascular phenotype. Last evaluated: 2020-06-17. Review status: criteria provided, single submitter. Criteria: Ambry Variant Classification Scheme 2023. Collection method: clinical testing. Allele origin: germline.
Comment: The p.R546K variant (also known as c.1637G>A), located in coding exon 8 of the AKAP9 gene, results from a G to A substitution at nucleotide position 1637. The arginine at codon 546 is replaced by lysine, an amino acid with highly similar properties. This amino acid position is not well conserved in available vertebrate species, and lysine is the reference amino acid in other vertebrate species. In addition, this alteration is predicted to be tolerated by in silico analysis. Since supporting evidence is limited at this time, the clinical significance of this alteration remains unclear.

NM_005751.5(AKAP9):c.1637G>A (p.Arg546Lys)

Gene: AKAP9 (A-kinase anchoring protein 9; plus strand). Cytogenetic location: 7q21.2.
Variant type: single nucleotide variant.
Coding change: c.1637G>A on transcript NM_005751.5 (MANE Select); coding-DNA position 1637, G replaced by A.
Protein change: p.Arg546Lys; replaces arginine 546 with lysine.
Molecular consequence: missense variant.
Genome position (GRCh38, 1-based): chr7:92,001,554, G>A. VCF-style: chr7-92001554-G-A. GRCh37 (hg19) VCF-style: chr7-91630868-G-A.
Other names: c.1637G>A, p.Arg546Lys (NM_147185.3); short protein forms R546K.
Identifiers: ClinVar variation 1776952 (VCV001776952.2), dbSNP rs1584037958, ClinGen allele CA368122245.